The following is an entry in ClinVar:

ClinVar aggregate classification (germline): Benign. Review status: criteria provided, multiple submitters, no conflicts (2 of 4 stars). 6 submissions from 6 submitters: Benign (6). Last evaluated 2026-02-01.

Conditions:
Xeroderma pigmentosum, group G (XPG). Also called: ERCC5-Related Xeroderma Pigmentosum; XERODERMA PIGMENTOSUM VII; XP, GROUP G; Xeroderma pigmentosum type 7. Identifiers: MedGen C0268141, MONDO:0010216, OMIM 278780.

Allele frequency attached by ClinVar (database versions not stated): gnomAD exomes 0.00627 and 0.01658; ExAC 0.01988; gnomAD 0.06241 and 0.06728; 1000 Genomes Project 0.06909; TOPMed 0.07056; 1000 Genomes Project 30x 0.07417; ESP Exome Variant Server 0.07443.

Submissions (6):

Labcorp Genetics (formerly Invitae), Labcorp
Classification: Benign. Last evaluated: 2026-02-01. Review status: criteria provided, single submitter. Criteria: Invitae Variant Classification Sherloc (09022015). Collection method: clinical testing. Allele origin: germline.

KCCC/NGS Laboratory, Kuwait Cancer Control Center
Classification: Benign for Xeroderma pigmentosum, group G. Last evaluated: 2025-02-01. Review status: criteria provided, single submitter. Criteria: ACMG Guidelines, 2015. Collection method: clinical testing. Allele origin: germline. Affected: no.

GeneDx
Classification: Benign. Last evaluated: 2019-03-24. Review status: criteria provided, single submitter. Criteria: GeneDx Variant Classification Process June 2021. Collection method: clinical testing. Allele origin: germline. Affected: yes.

Illumina Laboratory Services, Illumina
Classification: Benign for Xeroderma pigmentosum, group G. Last evaluated: 2018-01-13. Review status: criteria provided, single submitter. Criteria: ICSL Variant Classification Criteria 13 December 2019. Collection method: clinical testing. Allele origin: germline.
Comment: This variant was observed in the ICSL laboratory as part of a predisposition screen in an ostensibly healthy population. It had not been previously curated by ICSL or reported in the Human Gene Mutation Database (HGMD: prior to June 1st, 2018), and was therefore a candidate for classification through an automated scoring system. Utilizing variant allele frequency, disease prevalence and penetrance estimates, and inheritance mode, an automated score was calculated to assess if this variant is too frequent to cause the disease. Based on the score and internal cut-off values, a variant classified as benign is not then subjected to further curation. The score for this variant resulted in a classification of benign for this disease.

Breakthrough Genomics
Classification: Benign. Review status: criteria provided, single submitter. Criteria: ACMG Guidelines, 2015. Collection method: not provided. Allele origin: germline. Inheritance: Autosomal recessive inheritance. Affected: yes.

PreventionGenetics, part of Exact Sciences
Classification: Benign. Review status: criteria provided, single submitter. Criteria: ACMG Guidelines, 2015. Collection method: clinical testing. Allele origin: germline.

NM_000123.4(ERCC5):c.264+7G>A

Genes: BIVM-ERCC5 (BIVM-ERCC5 readthrough; plus strand), ERCC5 (ERCC excision repair 5, endonuclease; plus strand). Cytogenetic location: 13q33.1.
Variant type: single nucleotide variant.
Coding change: c.264+7G>A on transcript NM_000123.4 (MANE Select); 7 bases into the intron after coding-DNA position 264, G replaced by A.
Molecular consequence: intron variant.
Genome position (GRCh38, 1-based): chr13:102,852,300, G>A. VCF-style: chr13-102852300-G-A. GRCh37 (hg19) VCF-style: chr13-103504650-G-A.
Other names: c.1626+7G>A (NM_001204425.1, NM_001204425.2).
Identifiers: ClinVar variation 255160 (VCV000255160.18), dbSNP rs2020915, ClinGen allele CA7041080.
Genomic context (GRCh38, chr13:102,852,300, plus strand): 5'-CGTCCTATTTTTGTGTTTGATGGGGATGCTCCACTATTGAAGAAACAGACTTTGGTAAGT[G>A]TCGTATAGTTTTTAGTAAGTGTCAAATAATTTTTTTCTTTCTGCATTCTTAGAAAAATTC-3'